The following is an entry in ClinVar:

ClinVar aggregate classification (germline): Uncertain significance (1 of 4 stars; one submission).

Allele frequency attached by ClinVar (database versions not stated): TOPMed 0.00001; gnomAD exomes 0.00003; ExAC 0.00005.
gnomAD v4.1: 14 of 1,613,772 alleles (0.00087%); highest among the groups gnomAD compares: Non-Finnish European, 0.0012%; no homozygotes.

Submission:

Labcorp Genetics (formerly Invitae), Labcorp
Classification: Uncertain significance. Last evaluated: 2022-01-03. Review status: criteria provided, single submitter. Criteria: Invitae Variant Classification Sherloc (09022015). Collection method: clinical testing. Allele origin: germline.
Comment: In summary, the available evidence is currently insufficient to determine the role of this variant in disease. Therefore, it has been classified as a Variant of Uncertain Significance. Algorithms developed to predict the effect of missense changes on protein structure and function (SIFT, PolyPhen-2, Align-GVGD) all suggest that this variant is likely to be tolerated. This variant has not been reported in the literature in individuals affected with SAG-related conditions. This variant is present in population databases (rs750821604, gnomAD 0.006%). This sequence change replaces lysine, which is basic and polar, with arginine, which is basic and polar, at codon 369 of the SAG protein (p.Lys369Arg).

NM_000541.5(SAG):c.1106A>G (p.Lys369Arg)

Gene: SAG (S-antigen visual arrestin; plus strand). Cytogenetic location: 2q37.1.
Variant type: single nucleotide variant.
Coding change: c.1106A>G on transcript NM_000541.5 (MANE Select); coding-DNA position 1106, A replaced by G.
Protein change: p.Lys369Arg; replaces lysine 369 with arginine.
Molecular consequence: missense variant.
Genome position (GRCh38, 1-based): chr2:233,346,406, A>G. VCF-style: chr2-233346406-A-G. GRCh37 (hg19) VCF-style: chr2-234255052-A-G.
Other names: short protein forms K369R.
Identifiers: ClinVar variation 1483164 (VCV001483164.6), dbSNP rs750821604, ClinGen allele CA2174686.